The following is an entry in ClinVar:

ClinVar aggregate classification (germline): Uncertain significance. Review status: criteria provided, multiple submitters, no conflicts (2 of 4 stars). 2 submissions from 2 submitters: Uncertain significance (2). Last evaluated 2025-08-26.

Allele frequency attached by ClinVar (database versions not stated): ExAC 0.00005; ESP Exome Variant Server 0.00008; TOPMed 0.00024.
gnomAD v4.1: 53 of 1,614,140 alleles (0.0033%); highest among the groups gnomAD compares: African/African-American, 0.06%; no homozygotes.

Submissions (2):

Ambry Genetics
Classification: Uncertain significance. Last evaluated: 2025-08-26. Review status: criteria provided, single submitter. Criteria: Ambry Variant Classification Scheme 2023. Collection method: clinical testing. Allele origin: germline.

Labcorp Genetics (formerly Invitae), Labcorp
Classification: Uncertain significance. Last evaluated: 2024-10-28. Review status: criteria provided, single submitter. Criteria: Invitae Variant Classification Sherloc (09022015). Collection method: clinical testing. Allele origin: germline.
Comment: This sequence change replaces valine, which is neutral and non-polar, with phenylalanine, which is neutral and non-polar, at codon 213 of the ZIC4 protein (p.Val213Phe). This variant is present in population databases (rs373361660, gnomAD 0.04%). This variant has not been reported in the literature in individuals affected with ZIC4-related conditions. ClinVar contains an entry for this variant (Variation ID: 2149539). An algorithm developed to predict the effect of missense changes on protein structure and function (PolyPhen-2) suggests that this variant is likely to be disruptive. In summary, the available evidence is currently insufficient to determine the role of this variant in disease. Therefore, it has been classified as a Variant of Uncertain Significance.

NM_032153.6(ZIC4):c.487G>T (p.Val163Phe)

Gene: ZIC4 (Zic family zinc finger 4; minus strand). Cytogenetic location: 3q24.
Variant type: single nucleotide variant.
Coding change: c.487G>T on transcript NM_032153.6 (MANE Select); coding-DNA position 487, G replaced by T.
Protein change: p.Val163Phe; replaces valine 163 with phenylalanine.
Molecular consequence: missense variant. On other transcripts: intron variant (1).
Genome position (GRCh38, 1-based): chr3:147,396,053, C>A on the plus strand (G>T on the coding strand, the complement: ZIC4 is on the minus strand). VCF-style: chr3-147396053-C-A. GRCh37 (hg19) VCF-style: chr3-147113840-C-A.
Other names: c.637G>T, p.Val213Phe (NM_001168378.1); c.601G>T, p.Val201Phe (NM_001168379.2); c.71-4807G>T (NM_001243256.2); short protein forms V201F, V163F, V213F.
Identifiers: ClinVar variation 2149539 (VCV002149539.5), dbSNP rs373361660, ClinGen allele CA2656792.